The following is an entry in ClinVar:

ClinVar aggregate classification (germline): Conflicting classifications of pathogenicity. Review status: criteria provided, conflicting classifications (1 of 4 stars). 4 submissions from 4 submitters: Uncertain significance (3); Likely benign (1). Last evaluated 2025-09-01.

Conditions:
Norman-Roberts syndrome (LIS2). Also called: Lissencephaly 2 (Norman-Roberts type). Identifiers: Orphanet 89844, MedGen C0796089, MONDO:0009760, OMIM 257320.
Familial temporal lobe epilepsy 7. Identifiers: Orphanet 101046, MedGen C4225327, MONDO:0014639, OMIM 616436.
Inborn genetic diseases. Identifiers: MedGen C0950123, MeSH D030342.

Allele frequency attached by ClinVar (database versions not stated): gnomAD exomes below 0.00001.

Submissions (4):

CeGaT Center for Human Genetics Tuebingen
Classification: Uncertain significance. Last evaluated: 2025-09-01. Review status: criteria provided, single submitter. Criteria: CeGaT Center For Human Genetics Tuebingen Variant Classification Criteria Version 2. Collection method: clinical testing. Allele origin: germline. Affected: yes. Observed: 2 variant alleles.
Comment: RELN: PM2, BP4

GeneDx
Classification: Uncertain significance. Last evaluated: 2025-05-19. Review status: criteria provided, single submitter. Criteria: GeneDx Variant Classification Process June 2021. Collection method: clinical testing. Allele origin: germline. Affected: yes.
Comment: Not observed at significant frequency in large population cohorts (gnomAD); In silico analysis suggests that this missense variant does not alter protein structure/function; Has not been previously published as pathogenic or benign to our knowledge

Ambry Genetics
Classification: Likely benign for Inborn genetic diseases. Last evaluated: 2024-06-05. Review status: criteria provided, single submitter. Criteria: Ambry Variant Classification Scheme 2023. Collection method: clinical testing. Allele origin: germline.

Labcorp Genetics (formerly Invitae), Labcorp
Classification: Uncertain significance for Familial temporal lobe epilepsy 7; Norman-Roberts syndrome. Last evaluated: 2024-04-05. Review status: criteria provided, single submitter. Criteria: Invitae Variant Classification Sherloc (09022015). Collection method: clinical testing. Allele origin: germline.
Comment: This sequence change replaces methionine, which is neutral and non-polar, with valine, which is neutral and non-polar, at codon 1249 of the RELN protein (p.Met1249Val). This variant is present in population databases (rs148751867, gnomAD 0.0009%). This variant has not been reported in the literature in individuals affected with RELN-related conditions. ClinVar contains an entry for this variant (Variation ID: 810165). Advanced modeling of protein sequence and biophysical properties (such as structural, functional, and spatial information, amino acid conservation, physicochemical variation, residue mobility, and thermodynamic stability) performed at Invitae indicates that this missense variant is not expected to disrupt RELN protein function with a negative predictive value of 80%. In summary, the available evidence is currently insufficient to determine the role of this variant in disease. Therefore, it has been classified as a Variant of Uncertain Significance.

NM_005045.4(RELN):c.3745A>G (p.Met1249Val)

Gene: RELN (reelin; minus strand). Cytogenetic location: 7q22.1.
Variant type: single nucleotide variant.
Coding change: c.3745A>G on transcript NM_005045.4 (MANE Select); coding-DNA position 3745, A replaced by G.
Protein change: p.Met1249Val; replaces methionine 1249 with valine.
Molecular consequence: missense variant.
Genome position (GRCh38, 1-based): chr7:103,593,849, T>C on the plus strand (A>G on the coding strand, the complement: RELN is on the minus strand). VCF-style: chr7-103593849-T-C. GRCh37 (hg19) VCF-style: chr7-103234296-T-C.
Other names: c.3745A>G, p.Met1249Val (NM_173054.3); c.3745A>G (NM_005045.3); short protein forms M1249V.
Identifiers: ClinVar variation 810165 (VCV000810165.51), dbSNP rs148751867, ClinGen allele CA4421671.